The following is an entry in ClinVar:

NM_015047.3(EMC1):c.2879A>G (p.Tyr960Cys)

Genes: EMC1 (ER membrane protein complex subunit 1; minus strand), EMC1-AS1 (EMC1 antisense RNA 1; plus strand). Cytogenetic location: 1p36.13.
Variant type: single nucleotide variant.
Coding change: c.2879A>G on transcript NM_015047.3 (MANE Select); coding-DNA position 2879, A replaced by G.
Protein change: p.Tyr960Cys; replaces tyrosine 960 with cysteine.
Molecular consequence: missense variant.
Genome position (GRCh38, 1-based): chr1:19,219,406, T>C on the plus strand (A>G on the coding strand, the complement: EMC1 is on the minus strand). VCF-style: chr1-19219406-T-C. GRCh37 (hg19) VCF-style: chr1-19545900-T-C.
Other names: c.2876A>G, p.Tyr959Cys (NM_001271427.2, NM_001271428.2); c.2813A>G, p.Tyr938Cys (NM_001271429.2); c.2888A>G, p.Tyr963Cys (NM_001375820.1); c.2885A>G, p.Tyr962Cys (NM_001375821.1); short protein forms Y960C, Y938C, Y962C, Y963C, Y959C.
Identifiers: ClinVar variation 5008159 (VCV005008159.1).

ClinVar aggregate classification (germline): Uncertain significance (1 of 4 stars; one submission).

gnomAD v4.1: 3 of 1,613,910 alleles (0.00019%); highest among the groups gnomAD compares: East Asian, 0.0045%; no homozygotes.

Submission:

GeneDx
Classification: Uncertain significance. Last evaluated: 2026-02-26. Review status: criteria provided, single submitter. Criteria: GeneDx Variant Classification Process June 2021. Collection method: clinical testing. Allele origin: germline.
Comment: Not observed at significant frequency in large population cohorts (gnomAD); In silico analysis supports that this missense variant has a deleterious effect on protein structure/function; Has not been previously published as pathogenic or benign to our knowledge